The following is an entry in ClinVar:

NM_024747.6(HPS6):c.631_632delinsAC (p.Gly211Thr)

Gene: HPS6 (HPS6 biogenesis of lysosomal organelles complex 2 subunit 3; plus strand). Cytogenetic location: 10q24.32.
Variant type: Indel.
Coding change: c.631_632delinsAC on transcript NM_024747.6 (MANE Select); coding-DNA positions 631 to 632, GG replaced by AC.
Protein change: p.Gly211Thr; replaces glycine 211 with threonine.
Molecular consequence: missense variant.
Genome position (GRCh38, 1-based): chr10:102,066,105-102,066,106, GG replaced by AC. VCF-style: chr10-102066105-GG-AC. GRCh37 (hg19) VCF-style: chr10-103825862-GG-AC.
Other names: short protein forms G211T.
Identifiers: ClinVar variation 1499502 (VCV001499502.6), dbSNP rs2136334150, ClinGen allele CA2573145470.
Genomic context (GRCh38, chr10:102,066,105, plus strand): 5'-TTCGGGCTGCTGGCCTCCTGCAGACAACTCTTCCTGGTGCCCACTGCCACCACCTGGCCT[GG>AC]CGTGGCCCACGTTCTACTCATCTGGAGCCCAGGCAAGGGCAAAGTGATGGTGGCTGCCCC-3'
Protein context (NP_079023.2, residues 201-221): FLVPTATTWP[Gly211Thr]VAHVLLIWSP

ClinVar aggregate classification (germline): Uncertain significance (1 of 4 stars; one submission).

Submission:

Labcorp Genetics (formerly Invitae), Labcorp
Classification: Uncertain significance. Last evaluated: 2021-10-27. Review status: criteria provided, single submitter. Criteria: Invitae Variant Classification Sherloc (09022015). Collection method: clinical testing. Allele origin: germline.
Comment: In summary, the available evidence is currently insufficient to determine the role of this variant in disease. Therefore, it has been classified as a Variant of Uncertain Significance. Algorithms developed to predict the effect of missense changes on protein structure and function are either unavailable or do not agree on the potential impact of this missense change (SIFT: "Not Available"; PolyPhen-2: "Possibly Damaging"; Align-GVGD: "Not Available"). This variant has not been reported in the literature in individuals affected with HPS6-related conditions. Information on the frequency of this variant in the gnomAD database is not available, as this variant may be reported differently in the database. This sequence change replaces glycine with threonine at codon 211 of the HPS6 protein (p.Gly211Thr). The glycine residue is moderately conserved and there is a small physicochemical difference between glycine and threonine.